The following is an entry in ClinVar:

NM_000214.3(JAG1):c.58C>G (p.Leu20Val)

Gene: JAG1 (jagged canonical Notch ligand 1; minus strand). Cytogenetic location: 20p12.2.
Variant type: single nucleotide variant.
Coding change: c.58C>G on transcript NM_000214.3 (MANE Select); coding-DNA position 58, C replaced by G.
Protein change: p.Leu20Val; replaces leucine 20 with valine.
Molecular consequence: missense variant.
Genome position (GRCh38, 1-based): chr20:10,673,473, G>C on the plus strand (C>G on the coding strand, the complement: JAG1 is on the minus strand). VCF-style: chr20-10673473-G-C. GRCh37 (hg19) VCF-style: chr20-10654121-G-C.
Other names: short protein forms L20V.
Identifiers: ClinVar variation 3573099 (VCV003573099.2).

Conditions:
Arteriohepatic dysplasia. Also called: Alagille Syndrome. Identifiers: Orphanet 52, MedGen C0085280, MeSH D016738, MONDO:0007318.

Submission:

Gilbert/Spinner Lab, Children's Hospital of Philadelphia
No classification provided (evidence only). Condition: Alagille syndrome. Review status: no classification provided. Collection method: research. Allele origin: not applicable. Functional consequence: functionally_abnormal.
ClinVar note: "not provided" was previously submitted as the classification for the variant. However, the classification appeared to be based only on an observation of functional data so it was converted to no classification on 2025-07-30.